The following is an entry in ClinVar:

ClinVar aggregate classification (germline): Pathogenic (1 of 4 stars; one submission).

Conditions:
Glycogen storage disease, type IV (GSD4). Also called: AMYLOPECTINOSIS; ANDERSEN DISEASE; BRANCHER DEFICIENCY; CIRRHOSIS, FAMILIAL, WITH DEPOSITION OF ABNORMAL GLYCOGEN; GBE1 DEFICIENCY; GLYCOGEN BRANCHING ENZYME DEFICIENCY. Identifiers: Orphanet 367, MedGen C0017923, MONDO:0009292, OMIM 232500.

Submission:

Myriad Genetics, Inc.
Classification: Pathogenic for Glycogen storage disease, type IV. Last evaluated: 2026-06-23. Review status: criteria provided, single submitter. Criteria: Myriad Autosomal Dominant, Autosomal Recessive and X-Linked Classification Criteria (2023). Collection method: clinical testing. Allele origin: unknown.
Comment: NM_000158.3(GBE1):c.672_676del5(P225Nfs*41) is expected to be pathogenic in the context of glycogen storage disease, GBE1-related. This variant is predicted to lead to an abnormal or absent protein product due to the creation of a premature termination codon in GBE1, a gene where loss-of-function variants are known to be pathogenic. Please note: this variant was assessed in the context of healthy population screening.

NM_000158.4(GBE1):c.672_676del (p.Pro225fs)

Gene: GBE1 (1,4-alpha-glucan branching enzyme 1; minus strand). Cytogenetic location: 3p12.2.
Variant type: Deletion.
Coding change: c.672_676del on transcript NM_000158.4 (MANE Select); coding-DNA positions 672 to 676, 5 bases deleted (ACCAA; older notation c.672_676delACCAA).
Protein change: p.Pro225fs; shifts the reading frame from proline 225.
Molecular consequence: frameshift variant.
Genome position (GRCh38, 1-based): chr3:81,648,871-81,648,875, TTGGT deleted on the plus strand (ACCAA on the coding strand, the reverse complement: GBE1 is on the minus strand). VCF-style (leftmost placement, unchanged base first): chr3-81648870-CTTGGT-C. GRCh37 (hg19) VCF-style: chr3-81698021-CTTGGT-C.
Other names: short protein forms P225fs.
Identifiers: ClinVar variation 5016067 (VCV005016067.1).